The following is an entry in ClinVar:

ClinVar aggregate classification (germline): Uncertain significance. Review status: criteria provided, multiple submitters, no conflicts (2 of 4 stars). 2 submissions from 2 submitters: Uncertain significance (2). Last evaluated 2026-05-13.

Conditions:
Bardet-Biedl syndrome (BBS). Identifiers: Orphanet 110, MedGen C0752166, MONDO:0015229.
BBS10-related disorder. Also called: BBS10-related condition.

Allele frequency attached by ClinVar (database versions not stated): gnomAD 0.00002; 1000 Genomes Project 30x 0.00016; 1000 Genomes Project 0.00020; TOPMed below 0.00001; ExAC 0.00001.
gnomAD v4.1: 11 of 1,613,636 alleles (0.00068%); highest among the groups gnomAD compares: Middle Eastern, 0.016%; no homozygotes.

Submissions (2):

PreventionGenetics, part of Exact Sciences
Classification: Uncertain significance for BBS10-related condition. Last evaluated: 2026-05-13. Review status: criteria provided, single submitter. Criteria: ACMG Guidelines, 2015. Collection method: clinical testing. Allele origin: germline.
Comment: The BBS10 c.373C>T variant is predicted to result in the amino acid substitution p.Arg125Trp. To our knowledge, this variant has not been reported in the literature. This variant is reported in 0.0040% of alleles in individuals of African descent in gnomAD. At this time, the clinical significance of this variant is uncertain due to the absence of conclusive functional and genetic evidence.

Labcorp Genetics (formerly Invitae), Labcorp
Classification: Uncertain significance for Bardet-Biedl syndrome. Last evaluated: 2024-02-01. Review status: criteria provided, single submitter. Criteria: Invitae Variant Classification Sherloc (09022015). Collection method: clinical testing. Allele origin: germline.
Comment: This sequence change replaces arginine, which is basic and polar, with tryptophan, which is neutral and slightly polar, at codon 125 of the BBS10 protein (p.Arg125Trp). The frequency data for this variant in the population databases is considered unreliable, as metrics indicate poor data quality at this position in the gnomAD database. This variant has not been reported in the literature in individuals affected with BBS10-related conditions. ClinVar contains an entry for this variant (Variation ID: 2181238). Advanced modeling of protein sequence and biophysical properties (such as structural, functional, and spatial information, amino acid conservation, physicochemical variation, residue mobility, and thermodynamic stability) performed at Invitae indicates that this missense variant is not expected to disrupt BBS10 protein function with a negative predictive value of 80%. In summary, the available evidence is currently insufficient to determine the role of this variant in disease. Therefore, it has been classified as a Variant of Uncertain Significance.

NM_024685.4(BBS10):c.373C>T (p.Arg125Trp)

Gene: BBS10 (Bardet-Biedl syndrome 10; minus strand). Cytogenetic location: 12q21.2.
Variant type: single nucleotide variant.
Coding change: c.373C>T on transcript NM_024685.4 (MANE Select); coding-DNA position 373, C replaced by T.
Protein change: p.Arg125Trp; replaces arginine 125 with tryptophan.
Molecular consequence: missense variant.
Genome position (GRCh38, 1-based): chr12:76,347,612, G>A on the plus strand (C>T on the coding strand, the complement: BBS10 is on the minus strand). VCF-style: chr12-76347612-G-A. GRCh37 (hg19) VCF-style: chr12-76741392-G-A.
Other names: c.373C>T (NM_024685.3); short protein forms R125W.
Identifiers: ClinVar variation 2181238 (VCV002181238.4), dbSNP rs201194028, ClinGen allele CA6694364.